The following is an entry in ClinVar:

ClinVar aggregate classification (germline): Pathogenic. Review status: criteria provided, multiple submitters, no conflicts (2 of 4 stars). 2 submissions from 2 submitters: Pathogenic (2). Last evaluated 2023-11-13.

Conditions:
Autosomal recessive nonsyndromic hearing loss 9. Also called: Deafness, autosomal recessive 9; NEUROSENSORY NONSYNDROMIC RECESSIVE DEAFNESS 9; AUDITORY NEUROPATHY, AUTOSOMAL RECESSIVE, 1, TEMPERATURE-SENSITIVE; OTOF-Related Hearing Loss. Identifiers: Orphanet 90636, MedGen C1832828, MONDO:0010986, OMIM 601071.

Allele frequency attached by ClinVar (database versions not stated): gnomAD exomes below 0.00001; ExAC 0.00001.
gnomAD v4.1: 1 of 1,613,324 alleles (0.000062%); highest among the groups gnomAD compares: East Asian, 0.0022%; no homozygotes.

Submissions (2):

Labcorp Genetics (formerly Invitae), Labcorp
Classification: Pathogenic. Last evaluated: 2023-11-13. Review status: criteria provided, single submitter. Criteria: Invitae Variant Classification Sherloc (09022015). Collection method: clinical testing. Allele origin: germline.
Comment: This sequence change creates a premature translational stop signal (p.Tyr1064*) in the OTOF gene. It is expected to result in an absent or disrupted protein product. Loss-of-function variants in OTOF are known to be pathogenic (PMID: 18381613, 19250381, 22575033). This variant is present in population databases (rs766819324, gnomAD 0.006%). This premature translational stop signal has been observed in individual(s) with auditory neuropathy and/or deafness (PMID: 23562982, 34536124). ClinVar contains an entry for this variant (Variation ID: 1799530). For these reasons, this variant has been classified as Pathogenic.

The Shared Resource Centre "Genome", Research Centre for Medical Genetics
Classification: Pathogenic for Autosomal recessive nonsyndromic hearing loss 9. Last evaluated: 2022-11-10. Review status: criteria provided, single submitter. Criteria: ACMG Guidelines, 2015. Collection method: clinical testing. Allele origin: germline. Affected: yes. Observed: 1 variant allele.

Literature cited by the submitters: PubMed 18381613 (cited by Labcorp Genetics (formerly Invitae), Labcorp); PubMed 19250381 (cited by Labcorp Genetics (formerly Invitae), Labcorp); PubMed 22575033 (cited by Labcorp Genetics (formerly Invitae), Labcorp); PubMed 23562982 (cited by Labcorp Genetics (formerly Invitae), Labcorp); PubMed 34536124 (cited by Labcorp Genetics (formerly Invitae), Labcorp).

NM_194248.3(OTOF):c.3192C>G (p.Tyr1064Ter)

Gene: OTOF (otoferlin; minus strand). Cytogenetic location: 2p23.3.
Variant type: single nucleotide variant.
Coding change: c.3192C>G on transcript NM_194248.3 (MANE Select); coding-DNA position 3192, C replaced by G.
Protein change: p.Tyr1064Ter; replaces tyrosine 1064 with a stop codon.
Molecular consequence: nonsense.
Genome position (GRCh38, 1-based): chr2:26,474,609, G>C on the plus strand (C>G on the coding strand, the complement: OTOF is on the minus strand). VCF-style: chr2-26474609-G-C. GRCh37 (hg19) VCF-style: chr2-26697477-G-C.
Other names: c.3192C>G, p.Tyr1064Ter (NM_001287489.2); c.951C>G, p.Tyr317Ter (NM_004802.4, NM_194323.3); c.1122C>G, p.Tyr374Ter (NM_194322.3); short protein forms Y1064*, Y374*, Y317*.
Identifiers: ClinVar variation 1799530 (VCV001799530.6), dbSNP rs766819324, ClinGen allele CA1563633.